The following is an entry in ClinVar:

NM_016107.5(ZFR):c.886_906del (p.Ala296_Ala302del)

Gene: ZFR (zinc finger RNA binding protein; minus strand). Cytogenetic location: 5p13.3.
Variant type: Deletion.
Coding change: c.886_906del on transcript NM_016107.5 (MANE Select); coding-DNA positions 886 to 906, 21 bases deleted (GCTGCTGCTGCAACAGCTGCC).
Protein change: p.Ala296_Ala302del.
Molecular consequence: inframe deletion. On other transcripts: non-coding transcript variant (1).
Genome position (GRCh38, 1-based): chr5:32,406,900-32,406,920, GGCAGCTGTTGCAGCAGCAGC deleted on the plus strand (GCTGCTGCTGCAACAGCTGCC on the coding strand, the reverse complement: ZFR is on the minus strand). VCF-style (leftmost placement, unchanged base first): chr5-32406899-AGGCAGCTGTTGCAGCAGCAGC-A. GRCh37 (hg19) VCF-style: chr5-32407004-AGGCAGCTGTTGCAGCAGCAGC-A.
Identifiers: ClinVar variation 4736217 (VCV004736217.1).

ClinVar aggregate classification (germline): Uncertain significance (1 of 4 stars; one submission).

Conditions:
Pure or complex autosomal recessive spastic paraplegia. Identifiers: Orphanet 320346, MedGen C5679887, MONDO:0017915.

Submission:

Labcorp Genetics (formerly Invitae), Labcorp
Classification: Uncertain significance for Pure or complex autosomal recessive spastic paraplegia. Last evaluated: 2025-09-09. Review status: criteria provided, single submitter. Criteria: Invitae Variant Classification Sherloc (09022015). Collection method: clinical testing. Allele origin: germline.
Comment: This variant, c.886_906del, results in the deletion of 7 amino acid(s) of the ZFR protein (p.Ala296_Ala302del), but otherwise preserves the integrity of the reading frame. This variant is present in population databases (rs778993501, gnomAD 0.0009%). This variant has not been reported in the literature in individuals affected with ZFR-related conditions. Experimental studies and prediction algorithms are not available or were not evaluated, and the functional significance of this variant is currently unknown. In summary, the available evidence is currently insufficient to determine the role of this variant in disease. Therefore, it has been classified as a Variant of Uncertain Significance.